The following is an entry in ClinVar:

ClinVar aggregate classification (germline): Uncertain significance (1 of 4 stars; one submission).

Submission:

CeGaT Center for Human Genetics Tuebingen
Classification: Uncertain significance. Last evaluated: 2023-11-01. Review status: criteria provided, single submitter. Criteria: CeGaT Center For Human Genetics Tuebingen Variant Classification Criteria Version 2. Collection method: clinical testing. Allele origin: germline. Affected: yes. Observed: 2 variant alleles.
Comment: YY1: PM4

NM_003403.5(YY1):c.144CGA[2] (p.Asp50_Asp51del)

Gene: YY1 (YY1 transcription factor; plus strand). Cytogenetic location: 14q32.2.
Variant type: Microsatellite.
Coding change: c.144CGA[2] on transcript NM_003403.5 (MANE Select); two copies in a row of the 3-base unit CGA starting at c.144; the reference has four copies in a row; two copies, 6 bases deleted.
Protein change: p.Asp50_Asp51del.
Molecular consequence: inframe deletion.
Genome position (GRCh38, 1-based): chr14:100,239,394-100,239,399, CGACGA deleted; deleting any 6 consecutive bases within chr14:100,239,386-100,239,399 gives the same sequence; the position shown is the placement nearest the transcript's 3' end. VCF-style (leftmost placement, unchanged base first): chr14-100239385-GGACGAC-G. GRCh37 (hg19) VCF-style: chr14-100705722-GGACGAC-G.
Identifiers: ClinVar variation 1701244 (VCV001701244.31), dbSNP rs748854104, ClinGen allele CA7343934.